The following is an entry in ClinVar:

ClinVar aggregate classification (germline): Uncertain significance (1 of 4 stars; one submission).

Conditions:
RYR1-related disorder. Also called: RYR1-related disorders; RYR1-related condition. Identifiers: MedGen CN239331.

Allele frequency attached by ClinVar (database versions not stated): ExAC 0.00001; gnomAD 0.00001; gnomAD exomes 0.00001.
gnomAD v4.1: 4 of 1,612,742 alleles (0.00025%); highest among the groups gnomAD compares: Non-Finnish European, 0.00034%; no homozygotes.

Submission:

Labcorp Genetics (formerly Invitae), Labcorp
Classification: Uncertain significance for RYR1-related disorder. Last evaluated: 2022-07-26. Review status: criteria provided, single submitter. Criteria: Invitae Variant Classification Sherloc (09022015). Collection method: clinical testing. Allele origin: germline.
Comment: This sequence change falls in intron 41 of the RYR1 gene. It does not directly change the encoded amino acid sequence of the RYR1 protein. It affects a nucleotide within the consensus splice site. This variant is present in population databases (rs766633897, gnomAD 0.002%). This variant has not been reported in the literature in individuals affected with RYR1-related conditions. ClinVar contains an entry for this variant (Variation ID: 967958). Variants that disrupt the consensus splice site are a relatively common cause of aberrant splicing (PMID: 17576681, 9536098). Algorithms developed to predict the effect of sequence changes on RNA splicing suggest that this variant is not likely to affect RNA splicing. In summary, the available evidence is currently insufficient to determine the role of this variant in disease. Therefore, it has been classified as a Variant of Uncertain Significance.

Literature cited by the submitters: PubMed 17576681; PubMed 9536098.

NM_000540.3(RYR1):c.6797-3C>A

Gene: RYR1 (ryanodine receptor 1; plus strand). Cytogenetic location: 19q13.2.
Variant type: single nucleotide variant.
Coding change: c.6797-3C>A on transcript NM_000540.3 (MANE Select); 3 bases into the intron before coding-DNA position 6797, C replaced by A.
Molecular consequence: intron variant.
Genome position (GRCh38, 1-based): chr19:38,496,857, C>A. VCF-style: chr19-38496857-C-A. GRCh37 (hg19) VCF-style: chr19-38987497-C-A.
Other names: c.6797-3C>A (NM_001042723.2).
Identifiers: ClinVar variation 967958 (VCV000967958.5), dbSNP rs766633897, ClinGen allele CA068747.